The following is an entry in ClinVar:

ClinVar aggregate classification (germline): Benign/Likely benign. Review status: criteria provided, multiple submitters, no conflicts (2 of 4 stars). 5 submissions from 5 submitters: Benign (2); Likely benign (2). 1 of the submissions does not count toward it. Last evaluated 2025-06-12.

Conditions:
Androgen resistance syndrome (AIS). Also called: TESTICULAR FEMINIZATION SYNDROME; Androgen insensitivity syndrome due to coactivator deficiency; Androgen insensitivity, complete; Androgen insensitivity; ANDROGEN RECEPTOR DEFICIENCY; DIHYDROTESTOSTERONE RECEPTOR DEFICIENCY. Identifiers: Orphanet 754, Orphanet 99429, MedGen C0039585, MONDO:0019154, OMIM 300068. Disease mechanism: loss of function.
Kennedy disease (SMAX1). Also called: KENNEDY SPINAL AND BULBAR MUSCULAR ATROPHY; SPINAL AND BULBAR MUSCULAR ATROPHY, X-LINKED 1; Spinal and Bulbar Muscular Atrophy. Identifiers: Orphanet 481, MedGen C1839259, MONDO:0010735, OMIM 313200.
AR-related disorder. Also called: AR-related condition.

Submissions (5):

Labcorp Genetics (formerly Invitae), Labcorp
Classification: Likely benign for Kennedy disease; Androgen resistance syndrome. Last evaluated: 2025-06-12. Review status: criteria provided, single submitter. Criteria: Invitae Variant Classification Sherloc (09022015). Collection method: clinical testing. Allele origin: germline.

Laboratory of Genetics, Children's Clinical University Hospital Latvia
Classification: Likely benign. Last evaluated: 2025-02-16. Review status: criteria provided, single submitter. Criteria: ACMG Guidelines, 2015. Collection method: clinical testing. Allele origin: germline. Affected: yes.

GeneDx
Classification: Benign. Last evaluated: 2019-11-12. Review status: criteria provided, single submitter. Criteria: GeneDx Variant Classification Process June 2021. Collection method: clinical testing. Allele origin: germline. Affected: yes.

Genetic Services Laboratory, University of Chicago
Classification: Benign. Last evaluated: 2017-09-26. Review status: criteria provided, single submitter. Criteria: ACMG Guidelines, 2015. Collection method: clinical testing. Allele origin: germline. Affected: no.

PreventionGenetics, part of Exact Sciences
Classification: Benign for AR-related condition. Last evaluated: 2019-09-09. Review status: no assertion criteria provided. Collection method: clinical testing. Allele origin: germline. Not counted in ClinVar's aggregate classification.
Comment: This variant is classified as benign based on ACMG/AMP sequence variant interpretation guidelines (Richards et al. 2015 PMID: 25741868, with internal and published modifications).

NM_000044.6(AR):c.1370GCG[15] (p.Gly472_Gly473del)

Gene: AR (androgen receptor; plus strand). Cytogenetic location: Xq12.
Variant type: Microsatellite.
Coding change: c.1370GCG[15] on transcript NM_000044.6 (MANE Select); 15 copies in a row of the 3-base unit GCG starting at c.1370; the reference has 17 copies in a row; two copies, 6 bases deleted.
Protein change: p.Gly472_Gly473del.
Molecular consequence: inframe deletion. On other transcripts: 5 prime UTR variant (1).
Genome position (GRCh38, 1-based): chrX:67,546,561-67,546,566, GCGGCG deleted; deleting any 6 consecutive bases within chrX:67,546,515-67,546,566 gives the same sequence; the position shown is the placement nearest the transcript's 3' end. VCF-style (leftmost placement, unchanged base first): chrX-67546514-TGGCGGC-T. GRCh37 (hg19) VCF-style: chrX-66766356-TGGCGGC-T.
Other names: c.-414GCG[15] (NM_001011645.3); c.1370GCG[15], p.Gly472_Gly473del (NM_001348061.1, NM_001348063.1, NM_001348064.1); c.1415_1420delGCGGCG (NM_000044.3).
Identifiers: ClinVar variation 434260 (VCV000434260.18), dbSNP rs746853821, ClinGen allele CA517048805.